The following is an entry in ClinVar:

NM_000548.5(TSC2):c.5288C>G (p.Pro1763Arg)

Gene: TSC2 (TSC complex subunit 2; plus strand). Cytogenetic location: 16p13.3.
Variant type: single nucleotide variant.
Coding change: c.5288C>G on transcript NM_000548.5 (MANE Select); coding-DNA position 5288, C replaced by G.
Protein change: p.Pro1763Arg; replaces proline 1763 with arginine.
Molecular consequence: missense variant.
Genome position (GRCh38, 1-based): chr16:2,088,474, C>G. VCF-style: chr16-2088474-C-G. GRCh37 (hg19) VCF-style: chr16-2138475-C-G.
Other names: c.5087C>G, p.Pro1696Arg (NM_001077183.3); c.5219C>G, p.Pro1740Arg (NM_001114382.3); c.4979C>G, p.Pro1660Arg (NM_001318827.2); c.4943C>G, p.Pro1648Arg (NM_001318829.2); c.4556C>G, p.Pro1519Arg (NM_001318831.2); c.5120C>G, p.Pro1707Arg (NM_001318832.2); c.5090C>G, p.Pro1697Arg (NM_001363528.2); c.5156C>G, p.Pro1719Arg (NM_001370404.1); and 2 more; short protein forms P1763R, P1648R, P1720R, P1519R, P1660R, P1697R, P1740R, P1696R.
Identifiers: ClinVar variation 405947 (VCV000405947.14), dbSNP rs781139561, ClinGen allele CA16615206.

ClinVar aggregate classification (germline): Conflicting classifications of pathogenicity. Review status: criteria provided, conflicting classifications (1 of 4 stars). 3 submissions from 3 submitters: Uncertain significance (2); Benign (1). Last evaluated 2025-07-21.

Conditions:
Hereditary cancer-predisposing syndrome. Also called: Tumor predisposition; Neoplastic Syndromes, Hereditary; Hereditary Cancer Syndrome; Hereditary neoplastic syndrome. Identifiers: Orphanet 140162, MedGen C0027672, MeSH D009386, MONDO:0015356.
Tuberous sclerosis 2 (TSC2). Identifiers: Orphanet 805, MedGen C1860707, MONDO:0013199, OMIM 613254.

Allele frequency attached by ClinVar (database versions not stated): gnomAD 0.00001; TOPMed 0.00001.
gnomAD v4.1: 2 of 1,612,828 alleles (0.00012%); highest among the groups gnomAD compares: African/African-American, 0.0013%; no homozygotes.

Submissions (3):

Labcorp Genetics (formerly Invitae), Labcorp
Classification: Benign for Tuberous sclerosis 2. Last evaluated: 2025-07-21. Review status: criteria provided, single submitter. Criteria: Invitae Variant Classification Sherloc (09022015). Collection method: clinical testing. Allele origin: germline.

GeneDx
Classification: Uncertain significance. Last evaluated: 2025-06-06. Review status: criteria provided, single submitter. Criteria: GeneDx Variant Classification Process June 2021. Collection method: clinical testing. Allele origin: germline. Affected: yes.
Comment: In silico analysis suggests that this missense variant does not alter protein structure/function; Has not been previously published as pathogenic or benign to our knowledge

Ambry Genetics
Classification: Uncertain significance for Hereditary cancer-predisposing syndrome. Last evaluated: 2024-06-12. Review status: criteria provided, single submitter. Criteria: Ambry Variant Classification Scheme 2023. Collection method: clinical testing. Allele origin: germline.
Comment: The p.P1763R variant (also known as c.5288C>G), located in coding exon 41 of the TSC2 gene, results from a C to G substitution at nucleotide position 5288. The proline at codon 1763 is replaced by arginine, an amino acid with dissimilar properties. This amino acid position is not well conserved in available vertebrate species. In addition, the in silico prediction for this alteration is inconclusive. Based on the available evidence, the clinical significance of this variant remains unclear.